The following is an entry in ClinVar:

NM_001606.5(ABCA2):c.6321G>A (p.Thr2107=)

Gene: ABCA2 (ATP binding cassette subfamily A member 2; minus strand). Cytogenetic location: 9q34.3.
Variant type: single nucleotide variant.
Coding change: c.6321G>A on transcript NM_001606.5 (MANE Select); coding-DNA position 6321, G replaced by A.
Protein change: p.Thr2107=; no amino-acid change (threonine 2107 retained).
Molecular consequence: synonymous variant.
Genome position (GRCh38, 1-based): chr9:137,010,225, C>T on the plus strand (G>A on the coding strand, the complement: ABCA2 is on the minus strand). VCF-style: chr9-137010225-C-T. GRCh37 (hg19) VCF-style: chr9-139904677-C-T.
Other names: c.6411G>A (NM_212533.2); c.6318G>A, p.Thr2106= (NM_001411042.1); c.6411G>A, p.Thr2137= (NM_212533.3).
Identifiers: ClinVar variation 2659765 (VCV002659765.26), dbSNP rs769101874, ClinGen allele CA5353650.

ClinVar aggregate classification (germline): Likely benign. Review status: criteria provided, multiple submitters, no conflicts (2 of 4 stars). 3 submissions from 3 submitters: Likely benign (3). Last evaluated 2025-07-08.

Allele frequency attached by ClinVar (database versions not stated): ExAC 0.00013; TOPMed 0.00019; gnomAD 0.00021.
gnomAD v4.1: 105 of 1,605,120 alleles (0.0065%); highest among the groups gnomAD compares: African/African-American, 0.052%; no homozygotes.

Submissions (3):

Ambry Genetics
Classification: Likely benign. Last evaluated: 2025-07-08. Review status: criteria provided, single submitter. Criteria: Ambry Variant Classification Scheme 2023. Collection method: clinical testing. Allele origin: germline.

CeGaT Center for Human Genetics Tuebingen
Classification: Likely benign. Last evaluated: 2024-08-01. Review status: criteria provided, single submitter. Criteria: CeGaT Center For Human Genetics Tuebingen Variant Classification Criteria Version 2. Collection method: clinical testing. Allele origin: germline. Affected: yes. Observed: 2 variant alleles.
Comment: ABCA2: BP4, BP7

Blueprint Genetics
Classification: Likely benign. Last evaluated: 2024-04-25. Review status: criteria provided, single submitter. Criteria: ACMG Guidelines, 2015. Collection method: clinical testing. Allele origin: germline.